The following is an entry in ClinVar:

ClinVar aggregate classification (germline): Uncertain significance (1 of 4 stars; one submission).

Allele frequency attached by ClinVar (database versions not stated): gnomAD exomes below 0.00001.

Submission:

GeneDx
Classification: Uncertain significance. Last evaluated: 2022-05-09. Review status: criteria provided, single submitter. Criteria: GeneDx Variant Classification Process June 2021. Collection method: clinical testing. Allele origin: germline. Affected: yes.
Comment: Not observed at significant frequency in large population cohorts (gnomAD); In silico analysis supports that this missense variant does not alter protein structure/function; Has not been previously published as pathogenic or benign to our knowledge

NM_032119.4(ADGRV1):c.501G>T (p.Met167Ile)

Gene: ADGRV1 (adhesion G protein-coupled receptor V1; plus strand). Cytogenetic location: 5q14.3.
Variant type: single nucleotide variant.
Coding change: c.501G>T on transcript NM_032119.4 (MANE Select); coding-DNA position 501, G replaced by T.
Protein change: p.Met167Ile; replaces methionine 167 with isoleucine.
Molecular consequence: missense variant. On other transcripts: non-coding transcript variant (1).
Genome position (GRCh38, 1-based): chr5:90,622,644, G>T. VCF-style: chr5-90622644-G-T. GRCh37 (hg19) VCF-style: chr5-89918461-G-T.
Other names: short protein forms M167I.
Identifiers: ClinVar variation 1723771 (VCV001723771.2), dbSNP rs1316632108, ClinGen allele CA360363273.
Genomic context (GRCh38, chr5:90,622,644, plus strand): 5'-CTTTCCTCAATAGCTTCCCTCAATCGCAGTGAGTGAGCCCAAGGGCAGAAATGAGTCTAT[G>T]CCTCTTACTCTCATCAGGGAAAAGGGAACCTATGGAATGGTCATGGTGACTTTTGAGGTA-3'
Protein context (NP_115495.3, residues 157-177): VSEPKGRNES[Met167Ile]PLTLIREKGT